The following is an entry in ClinVar:

NM_000719.7(CACNA1C):c.4828+164T>C

Gene: CACNA1C (calcium voltage-gated channel subunit alpha1 C; plus strand). Cytogenetic location: 12p13.33.
Variant type: single nucleotide variant.
Coding change: c.4828+164T>C on transcript NM_000719.7 (MANE Select); 164 bases into the intron after coding-DNA position 4828, T replaced by C.
Molecular consequence: intron variant.
Genome position (GRCh38, 1-based): chr12:2,674,806, T>C. VCF-style: chr12-2674806-T-C. GRCh37 (hg19) VCF-style: chr12-2783972-T-C.
Other names: c.4828+164T>C (NM_001167624.3, NM_001167623.2, NM_001129840.2 and 4 more transcripts); c.4795+164T>C (NM_001167625.2, NM_001129846.2); c.4972+164T>C (NM_199460.4, NM_001129827.2); c.4888+164T>C (NM_001129832.2); c.4912+164T>C (NM_001129831.2); c.4885+164T>C (NM_001129833.2, NM_001129834.2, NM_001129835.2); c.4951+164T>C (NM_001129829.2); c.4852+164T>C (NM_001129837.2, NM_001129838.2); and 3 more.
Identifiers: ClinVar variation 671811 (VCV000671811.5), dbSNP rs2302729, ClinGen allele CA13577141.

ClinVar aggregate classification (germline): Benign. Review status: criteria provided, multiple submitters, no conflicts (2 of 4 stars). 2 submissions from 2 submitters: Benign (2). Last evaluated 2019-12-31.

Conditions:
Long QT syndrome (LQTS). Identifiers: MedGen C0023976, MeSH D008133, MONDO:0002442. Disease mechanism: loss of function. Inheritance: Various modes of inheritance.

Allele frequency attached by ClinVar (database versions not stated): 1000 Genomes Project 30x 0.67067; 1000 Genomes Project 0.67452; TOPMed 0.68879; gnomAD 0.70353 and 0.71023.
gnomAD v4.1: 108,094 of 152,134 alleles (71%); highest among the groups gnomAD compares: South Asian, 85%; 40,573 homozygotes.

Submissions (2):

Labcorp Genetics (formerly Invitae), Labcorp
Classification: Benign for Long QT syndrome. Last evaluated: 2019-12-31. Review status: criteria provided, single submitter. Criteria: Invitae Variant Classification Sherloc (09022015). Collection method: clinical testing. Allele origin: germline.

GeneDx
Classification: Benign. Last evaluated: 2018-06-14. Review status: criteria provided, single submitter. Criteria: GeneDx Variant Classification (06012015). Collection method: clinical testing. Allele origin: germline. Affected: yes.
Comment: This variant is considered likely benign or benign based on one or more of the following criteria: it is a conservative change, it occurs at a poorly conserved position in the protein, it is predicted to be benign by multiple in silico algorithms, and/or has population frequency not consistent with disease.